The following is an entry in ClinVar:

ClinVar aggregate classification (germline): Uncertain significance (1 of 4 stars; one submission).

Conditions:
F2-related disorder. Also called: F2-related condition; F2-related disorders.

gnomAD v4.1: 3 of 1,613,940 alleles (0.00019%); highest among the groups gnomAD compares: Non-Finnish European, 0.00025%; no homozygotes.

Submission:

PreventionGenetics, part of Exact Sciences
Classification: Uncertain significance for F2-related condition. Last evaluated: 2025-10-01. Review status: criteria provided, single submitter. Criteria: ACMG Guidelines, 2015. Collection method: clinical testing. Allele origin: germline.
Comment: The F2 c.241-5T>C variant is predicted to interfere with splicing. To our knowledge, this variant has not been reported in the literature or in a large population database (gnomAD), indicating this variant is rare. This variant is predicted to alter splicing based on available splicing prediction programs (SpliceAI, Jaganathan et al. 2019. PubMed ID: 30661751). However, the use of computer prediction programs is not equivalent to functional evidence. At this time, the clinical significance of this variant is uncertain due to the absence of conclusive functional and genetic evidence.

NM_000506.5(F2):c.241-5T>C

Gene: F2 (coagulation factor II, thrombin; plus strand). Cytogenetic location: 11p11.2.
Variant type: single nucleotide variant.
Coding change: c.241-5T>C on transcript NM_000506.5 (MANE Select); 5 bases into the intron before coding-DNA position 241, T replaced by C.
Molecular consequence: intron variant.
Genome position (GRCh38, 1-based): chr11:46,720,518, T>C. VCF-style: chr11-46720518-T-C. GRCh37 (hg19) VCF-style: chr11-46742068-T-C.
Identifiers: ClinVar variation 4983411 (VCV004983411.1).